The following is an entry in ClinVar:

NM_003441.4(ZNF141):c.207G>C (p.Lys69Asn)

Gene: ZNF141 (zinc finger protein 141; plus strand). Cytogenetic location: 4p16.3.
Variant type: single nucleotide variant.
Coding change: c.207G>C on transcript NM_003441.4 (MANE Select); coding-DNA position 207, G replaced by C.
Protein change: p.Lys69Asn; replaces lysine 69 with asparagine.
Molecular consequence: missense variant. On other transcripts: intron variant (1).
Genome position (GRCh38, 1-based): chr4:344,411, G>C. VCF-style: chr4-344411-G-C. GRCh37 (hg19) VCF-style: chr4-338200-G-C.
Other names: c.207G>C, p.Lys69Asn (NM_001348278.2, NM_001348279.2, NM_001348280.2); c.-3+6425G>C (NM_001348277.2); short protein forms K69N.
Identifiers: ClinVar variation 3059090 (VCV003059090.3), dbSNP rs79869819, ClinGen allele CA2791594.

ClinVar aggregate classification (germline): Likely benign. Review status: criteria provided, single submitter (1 of 4 stars). 2 submissions from 2 submitters: Likely benign (1). 1 of the submissions does not count toward it. Last evaluated 2024-11-26.

Conditions:
ZNF141-related disorder. Also called: ZNF141-related condition.

Allele frequency attached by ClinVar (database versions not stated): ExAC 0.00080.

Submissions (2):

Blueprint Genetics
Classification: Likely benign. Last evaluated: 2024-11-26. Review status: criteria provided, single submitter. Criteria: ACMG Guidelines, 2015. Collection method: clinical testing. Allele origin: germline.

PreventionGenetics, part of Exact Sciences
Classification: Benign for ZNF141-related condition. Last evaluated: 2019-08-21. Review status: no assertion criteria provided. Collection method: clinical testing. Allele origin: germline. Not counted in ClinVar's aggregate classification.
Comment: This variant is classified as benign based on ACMG/AMP sequence variant interpretation guidelines (Richards et al. 2015 PMID: 25741868, with internal and published modifications).